The following is an entry in ClinVar:

NM_002203.4(ITGA2):c.2678T>C (p.Ile893Thr)

Gene: ITGA2 (integrin subunit alpha 2; plus strand). Cytogenetic location: 5q11.2.
Variant type: single nucleotide variant.
Coding change: c.2678T>C on transcript NM_002203.4 (MANE Select); coding-DNA position 2678, T replaced by C.
Protein change: p.Ile893Thr; replaces isoleucine 893 with threonine.
Molecular consequence: missense variant. On other transcripts: non-coding transcript variant (5).
Genome position (GRCh38, 1-based): chr5:53,075,074, T>C. VCF-style: chr5-53075074-T-C. GRCh37 (hg19) VCF-style: chr5-52370904-T-C.
Other names: short protein forms I893T.
Identifiers: ClinVar variation 353772 (VCV000353772.35), dbSNP rs80331976, ClinGen allele CA3263278.

ClinVar aggregate classification (germline): Benign/Likely benign. Review status: criteria provided, multiple submitters, no conflicts (2 of 4 stars). 5 submissions from 5 submitters: Benign (3); Likely benign (2). Last evaluated 2024-11-18.

Conditions:
Platelet-type bleeding disorder 9 (BDPLT9). Also called: GLYCOPROTEIN Ia DEFICIENCY; GP Ia DEFICIENCY; COLLAGEN PLATELET RECEPTOR DEFICIENCY. Identifiers: Orphanet 73271, Orphanet 98886, MedGen C3280114, MONDO:0013622, OMIM 614200.

Allele frequency attached by ClinVar (database versions not stated): 1000 Genomes Project 30x 0.00187; 1000 Genomes Project 0.00200; TOPMed 0.00271; ESP Exome Variant Server 0.00315; gnomAD 0.00340 and 0.00345; gnomAD exomes 0.00377 and 0.00488; ExAC 0.00415.
gnomAD v4.1: 7,569 of 1,610,058 alleles (0.47%); highest among the groups gnomAD compares: Non-Finnish European, 0.55%; 33 homozygotes.

Submissions (5):

Blueprint Genetics
Classification: Likely benign. Last evaluated: 2024-11-18. Review status: criteria provided, single submitter. Criteria: ACMG Guidelines, 2015. Collection method: clinical testing. Allele origin: germline.

CeGaT Center for Human Genetics Tuebingen
Classification: Likely benign. Last evaluated: 2023-08-01. Review status: criteria provided, single submitter. Criteria: CeGaT Center For Human Genetics Tuebingen Variant Classification Criteria Version 2. Collection method: clinical testing. Allele origin: germline. Affected: yes. Observed: 1 variant allele.
Comment: ITGA2: BS2

Labcorp Genetics (formerly Invitae), Labcorp
Classification: Benign. Last evaluated: 2018-07-06. Review status: criteria provided, single submitter. Criteria: Invitae Variant Classification Sherloc (09022015). Collection method: clinical testing. Allele origin: germline.

Illumina Laboratory Services, Illumina
Classification: Benign for Platelet-type bleeding disorder 9. Last evaluated: 2018-01-13. Review status: criteria provided, single submitter. Criteria: ICSL Variant Classification Criteria 13 December 2019. Collection method: clinical testing. Allele origin: germline.
Comment: This variant was observed in the ICSL laboratory as part of a predisposition screen in an ostensibly healthy population. It had not been previously curated by ICSL or reported in the Human Gene Mutation Database (HGMD: prior to June 1st, 2018), and was therefore a candidate for classification through an automated scoring system. Utilizing variant allele frequency, disease prevalence and penetrance estimates, and inheritance mode, an automated score was calculated to assess if this variant is too frequent to cause the disease. Based on the score and internal cut-off values, a variant classified as benign is not then subjected to further curation. The score for this variant resulted in a classification of benign for this disease.

Breakthrough Genomics
Classification: Benign. Review status: criteria provided, single submitter. Criteria: ACMG Guidelines, 2015. Collection method: not provided. Allele origin: germline. Inheritance: Unknown mechanism. Affected: yes.